The following is an entry in ClinVar:

NM_000038.6(APC):c.2177T>C (p.Leu726Ser)

Gene: APC (APC regulator of Wnt signaling pathway; plus strand). Cytogenetic location: 5q22.2.
Variant type: single nucleotide variant.
Coding change: c.2177T>C on transcript NM_000038.6 (MANE Select); coding-DNA position 2177, T replaced by C.
Protein change: p.Leu726Ser; replaces leucine 726 with serine.
Molecular consequence: missense variant. On other transcripts: non-coding transcript variant (2).
Genome position (GRCh38, 1-based): chr5:112,837,771, T>C. VCF-style: chr5-112837771-T-C. GRCh37 (hg19) VCF-style: chr5-112173468-T-C.
Other names: c.2177T>C, p.Leu726Ser (NM_001127510.3, NM_001354895.2, NM_001407450.1); c.2123T>C, p.Leu708Ser (NM_001127511.3); c.2231T>C, p.Leu744Ser (NM_001354896.2, NM_001407447.1, NM_001407448.1 and 1 more transcripts); c.2207T>C, p.Leu736Ser (NM_001354897.2); c.2102T>C, p.Leu701Ser (NM_001354898.2); c.2093T>C, p.Leu698Ser (NM_001354899.2); c.2054T>C, p.Leu685Ser (NM_001354900.2); c.2000T>C, p.Leu667Ser (NM_001354901.2, NM_001407453.1); and 11 more; short protein forms L635S, L698S, L701S, L736S, L744S, L754S, L443S, L597S.
Identifiers: ClinVar variation 2770044 (VCV002770044.3), dbSNP rs2149862441, ClinGen allele CA16026098.

ClinVar aggregate classification (germline): Uncertain significance (1 of 4 stars; one submission).

Conditions:
Familial adenomatous polyposis 1 (FAP1). Also called: POLYPOSIS, ADENOMATOUS INTESTINAL; FAMILIAL ADENOMATOUS POLYPOSIS 1, ATTENUATED. Identifiers: MedGen C2713442, MONDO:0021056, OMIM 175100. Disease mechanism: loss of function.

Submission:

Labcorp Genetics (formerly Invitae), Labcorp
Classification: Uncertain significance for Familial adenomatous polyposis 1. Last evaluated: 2023-10-19. Review status: criteria provided, single submitter. Criteria: Invitae Variant Classification Sherloc (09022015). Collection method: clinical testing. Allele origin: germline.
Comment: This sequence change replaces leucine, which is neutral and non-polar, with serine, which is neutral and polar, at codon 726 of the APC protein (p.Leu726Ser). This variant is not present in population databases (gnomAD no frequency). This variant has not been reported in the literature in individuals affected with APC-related conditions. Advanced modeling of protein sequence and biophysical properties (such as structural, functional, and spatial information, amino acid conservation, physicochemical variation, residue mobility, and thermodynamic stability) has been performed at Invitae for this missense variant, however the output from this modeling did not meet the statistical confidence thresholds required to predict the impact of this variant on APC protein function. In summary, the available evidence is currently insufficient to determine the role of this variant in disease. Therefore, it has been classified as a Variant of Uncertain Significance.